The following is an entry in ClinVar:

ClinVar aggregate classification (germline): Likely pathogenic (1 of 4 stars; one submission).

Conditions:
Familial adenomatous polyposis 4 (FAP4). Also called: MSH3-related attenuated familial adenomatous polyposis. Identifiers: Orphanet 480536, MedGen C4310719, MONDO:0044300, OMIM 617100.

Submission:

Myriad Genetics, Inc.
Classification: Likely pathogenic for Familial adenomatous polyposis 4. Last evaluated: 2023-08-31. Review status: criteria provided, single submitter. Criteria: Myriad Autosomal Dominant, Autosomal Recessive and X-Linked Classification Criteria (2023). Collection method: clinical testing. Allele origin: unknown.
Comment: This variant is considered likely pathogenic. This variant occurs within a consensus splice junction and is predicted to result in abnormal mRNA splicing of either an out-of-frame exon or an in-frame exon necessary for protein stability and/or normal function.

NM_002439.5(MSH3):c.2994_3000+2del

Gene: MSH3 (mutS homolog 3; plus strand). Cytogenetic location: 5q14.1.
Variant type: Deletion.
Coding change: c.2994_3000+2del on transcript NM_002439.5 (MANE Select); coding-DNA position 2994 through the canonical splice donor site of the intron after coding-DNA position 3000, 9 bases deleted (CAGAGATGT; older notation c.2994_3000+2delCAGAGATGT).
Molecular consequence: splice donor variant.
Genome position (GRCh38, 1-based): chr5:80,854,310-80,854,318, CAGAGATGT deleted; deleting any 9 consecutive bases within chr5:80,854,309-80,854,318 gives the same sequence; the c. name uses the placement nearest the transcript's 3' end. VCF-style (leftmost placement, unchanged base first): chr5-80854308-ATCAGAGATG-A. GRCh37 (hg19) VCF-style: chr5-80150127-ATCAGAGATG-A.
Identifiers: ClinVar variation 2673494 (VCV002673494.1), dbSNP rs2478772075, ClinGen allele CA2695198707.